The following is an entry in ClinVar:

ClinVar aggregate classification (germline): Uncertain significance (1 of 4 stars; one submission).

Conditions:
Perlman syndrome (PRLMNS). Identifiers: Orphanet 2849, MedGen C0796113, MONDO:0009965, OMIM 267000.

Submission:

Labcorp Genetics (formerly Invitae), Labcorp
Classification: Uncertain significance for Perlman syndrome. Last evaluated: 2023-03-18. Review status: criteria provided, single submitter. Criteria: Invitae Variant Classification Sherloc (09022015). Collection method: clinical testing. Allele origin: germline.
Comment: In summary, the available evidence is currently insufficient to determine the role of this variant in disease. Therefore, it has been classified as a Variant of Uncertain Significance. This sequence change replaces methionine, which is neutral and non-polar, with threonine, which is neutral and polar, at codon 669 of the DIS3L2 protein (p.Met669Thr). This variant is not present in population databases (gnomAD no frequency). This variant has not been reported in the literature in individuals affected with DIS3L2-related conditions. Advanced modeling of protein sequence and biophysical properties (such as structural, functional, and spatial information, amino acid conservation, physicochemical variation, residue mobility, and thermodynamic stability) has been performed at Invitae for this missense variant, however the output from this modeling did not meet the statistical confidence thresholds required to predict the impact of this variant on DIS3L2 protein function.

NM_152383.5(DIS3L2):c.2006T>C (p.Met669Thr)

Gene: DIS3L2 (DIS3 like 3'-5' exoribonuclease 2; plus strand). Cytogenetic location: 2q37.1.
Variant type: single nucleotide variant.
Coding change: c.2006T>C on transcript NM_152383.5 (MANE Select); coding-DNA position 2006, T replaced by C.
Protein change: p.Met669Thr; replaces methionine 669 with threonine.
Molecular consequence: missense variant. On other transcripts: non-coding transcript variant (2), intron variant (1).
Genome position (GRCh38, 1-based): chr2:232,330,772, T>C. VCF-style: chr2-232330772-T-C. GRCh37 (hg19) VCF-style: chr2-233195482-T-C.
Other names: c.1582-12573T>C (NM_001257281.2); short protein forms M669T.
Identifiers: ClinVar variation 2786310 (VCV002786310.3), dbSNP rs2469436821, ClinGen allele CA350976773.